The following is an entry in ClinVar:

ClinVar aggregate classification (germline): Conflicting classifications of pathogenicity. Review status: criteria provided, conflicting classifications (1 of 4 stars). 3 submissions from 3 submitters: Likely pathogenic (1); Uncertain significance (2). Last evaluated 2025-03-18.

Conditions:
Leukoencephalopathy with brain stem and spinal cord involvement-high lactate syndrome (LBSL). Also called: LEUKOENCEPHALOPATHY WITH BRAINSTEM AND SPINAL CORD INVOLVEMENT AND LACTATE ELEVATION, MILD; Leukoencephalopathy with Brainstem and Spinal Cord Involvement and Lactate Elevation; MITOCHONDRIAL ASPARTYL-tRNA SYNTHETASE DEFICIENCY. Identifiers: Orphanet 137898, MedGen C1970180, MONDO:0012622, OMIM 611105.

Allele frequency attached by ClinVar (database versions not stated): gnomAD exomes below 0.00001 and 0.00001; gnomAD 0.00001; ExAC 0.00002; 1000 Genomes Project 30x 0.00031; 1000 Genomes Project 0.00040.

Submissions (3):

3billion
Classification: Uncertain significance for Leukoencephalopathy with brain stem and spinal cord involvement-high lactate syndrome. Last evaluated: 2025-03-18. Review status: criteria provided, single submitter. Criteria: ACMG Guidelines, 2015. Collection method: clinical testing. Allele origin: germline. Affected: yes.

Broad Center for Mendelian Genomics, Broad Institute of MIT and Harvard
Classification: Uncertain significance for Leukoencephalopathy with brain stem and spinal cord involvement-high lactate syndrome. Last evaluated: 2025-01-21. Review status: criteria provided, single submitter. Criteria: ACMG Guidelines, 2015. Collection method: curation. Allele origin: germline. Inheritance: Autosomal recessive inheritance.
Comment: The p.Arg188Gln variant in DARS2 has been reported, in the compound heterozygous state, in 1 individual with leukoencephalopathy with brain stem and spinal cord involvement-high lactate syndrome (PMID: 30352563), segregated with disease in 2 affected relatives from 1 family (PMID: 30352563), and has been identified in 0.002% (1/44866) of East Asian chromosomes by the Genome Aggregation Database (gnomAD; dbSNP rs972404343). Although this variant has been seen in the general population in a heterozygous state, its frequency is low enough to be consistent with a recessive carrier frequency. This variant has also been reported in ClinVar (Variation ID: 694538) and has been interpreted as likely pathogenic by Department of Biochemistry (Faculty of Medicine, University of Khartoum). Computational tools and conservation analyses suggest that this variant may impact the protein, though this information is not predictive enough to determine pathogenicity. In summary, while there is some suspicion for a pathogenic role, the clinical significance of this variant is uncertain. ACMG/AMP Criteria applied: PP1, PP3, PM2_supporting, PM3 (Richards 2015).

Department of Biochemistry, Faculty of Medicine, University of Khartoum
Classification: Likely pathogenic for Leukoencephalopathy with brain stem and spinal cord involvement-high lactate syndrome. Last evaluated: 2019-11-12. Review status: criteria provided, single submitter. Criteria: ACMG Guidelines, 2015. Collection method: research. Allele origin: inherited. Inheritance: Codominant. Affected: yes. Observed: 3 variant alleles, 3 compound heterozygotes.

Literature cited by the submitters: PubMed 30352563 (cited by 3billion and Department of Biochemistry, Faculty of Medicine, University of Khartoum).

NM_018122.5(DARS2):c.563G>A (p.Arg188Gln)

Gene: DARS2 (aspartyl-tRNA synthetase 2, mitochondrial; plus strand). Cytogenetic location: 1q25.1.
Variant type: single nucleotide variant.
Coding change: c.563G>A on transcript NM_018122.5 (MANE Select); coding-DNA position 563, G replaced by A.
Protein change: p.Arg188Gln; replaces arginine 188 with glutamine.
Molecular consequence: missense variant.
Genome position (GRCh38, 1-based): chr1:173,833,446, G>A. VCF-style: chr1-173833446-G-A. GRCh37 (hg19) VCF-style: chr1-173802584-G-A.
Other names: NM_018122.5(DARS2):c.563G>A; p.Arg188Gln; c.563G>A, p.Arg188Gln (NM_001365212.1, NM_001365213.2); short protein forms R188Q.
Identifiers: ClinVar variation 694538 (VCV000694538.3), dbSNP rs182811621, ClinGen allele CA1250163.